The following is an entry in ClinVar:

NM_000081.4(LYST):c.1654G>T (p.Val552Leu)

Gene: LYST (lysosomal trafficking regulator; minus strand). Cytogenetic location: 1q42.3.
Variant type: single nucleotide variant.
Coding change: c.1654G>T on transcript NM_000081.4 (MANE Select); coding-DNA position 1654, G replaced by T.
Protein change: p.Val552Leu; replaces valine 552 with leucine.
Molecular consequence: missense variant.
Genome position (GRCh38, 1-based): chr1:235,809,164, C>A on the plus strand (G>T on the coding strand, the complement: LYST is on the minus strand). VCF-style: chr1-235809164-C-A. GRCh37 (hg19) VCF-style: chr1-235972464-C-A.
Other names: c.1654G>T, p.Val552Leu (NM_001301365.1); c.1654G>T (NM_000081.2); short protein forms V552L.
Identifiers: ClinVar variation 1349196 (VCV001349196.8), dbSNP rs770087096, ClinGen allele CA344961926.

ClinVar aggregate classification (germline): Uncertain significance. Review status: criteria provided, multiple submitters, no conflicts (2 of 4 stars). 2 submissions from 2 submitters: Uncertain significance (2). Last evaluated 2023-09-29.

Conditions:
Inborn genetic diseases. Identifiers: MedGen C0950123, MeSH D030342.
Chédiak-Higashi syndrome (CHS). Also called: Chediak-Higashi Syndrome. Identifiers: Orphanet 167, MedGen C0007965, MONDO:0008963, OMIM 214500.

gnomAD v4.1: 4 of 1,614,096 alleles (0.00025%); highest among the groups gnomAD compares: South Asian, 0.0033%; no homozygotes.

Submissions (2):

Ambry Genetics
Classification: Uncertain significance for Inborn genetic diseases. Last evaluated: 2023-09-29. Review status: criteria provided, single submitter. Criteria: Ambry Variant Classification Scheme 2023. Collection method: clinical testing. Allele origin: germline.

Labcorp Genetics (formerly Invitae), Labcorp
Classification: Uncertain significance for Chédiak-Higashi syndrome. Last evaluated: 2022-06-13. Review status: criteria provided, single submitter. Criteria: Invitae Variant Classification Sherloc (09022015). Collection method: clinical testing. Allele origin: germline.
Comment: In summary, the available evidence is currently insufficient to determine the role of this variant in disease. Therefore, it has been classified as a Variant of Uncertain Significance. Algorithms developed to predict the effect of missense changes on protein structure and function are either unavailable or do not agree on the potential impact of this missense change (SIFT: "Tolerated"; PolyPhen-2: "Possibly Damaging"; Align-GVGD: "Class C0"). This variant has not been reported in the literature in individuals affected with LYST-related conditions. This variant is not present in population databases (gnomAD no frequency). This sequence change replaces valine, which is neutral and non-polar, with leucine, which is neutral and non-polar, at codon 552 of the LYST protein (p.Val552Leu).